The following is an entry in ClinVar:

NM_001128228.3(TPRN):c.25del (p.Ser9fs)

Genes: TPRN (taperin; minus strand), LOC130003093 (ATAC-STARR-seq lymphoblastoid silent region 20590; plus strand). Cytogenetic location: 9q34.3.
Variant type: Deletion.
Coding change: c.25del on transcript NM_001128228.3 (MANE Select); coding-DNA position 25, one base deleted (T; older notation c.25delT).
Protein change: p.Ser9fs; shifts the reading frame from serine 9.
Molecular consequence: frameshift variant.
Genome position (GRCh38, 1-based): chr9:137,200,687, A deleted on the plus strand (T on the coding strand, the reverse complement: TPRN is on the minus strand). VCF-style (leftmost placement, unchanged base first): chr9-137200686-GA-G. GRCh37 (hg19) VCF-style: chr9-140095138-GA-G.
Other names: p.(Ser9ArgfsTer22); short protein forms S9fs.
Identifiers: ClinVar variation 3075890 (VCV003075890.1), dbSNP rs2538732484, ClinGen allele CA2786297479.

ClinVar aggregate classification (germline): Likely pathogenic (1 of 4 stars; one submission).

Conditions:
Rare genetic deafness. Identifiers: Orphanet 96210, MedGen C5680250.

Submission:

Laboratory for Molecular Medicine, Mass General Brigham Personalized Medicine
Classification: Likely pathogenic for Rare genetic deafness. Last evaluated: 2022-08-26. Review status: criteria provided, single submitter. Criteria: ACMG Guidelines, 2015. Collection method: clinical testing. Allele origin: germline.
Comment: The p.Ser9ArgfsX22 variant in TPRN has not beed reported in individuals with disease and was absent from large population studies. This variant is predicted to cause a frameshift, which alters the protein’s amino acid sequence beginning at position 9 and leads to a premature termination codon 2 amino acids downstream. This alteration is then predicted to lead to a truncated or absent protein. Loss of function of the TPRN gene is an established disease mechanism in autosomal recessive hearing loss. Please note that this the termination codon is located within the first exon and there is a Meth codon 31 amino acids downstream (in the same exon). There are at least 2 variants located between the 2 Methionin codons (Start and position 62) identified in individuals with disease in ClinVar. In summary, although additional studies are required to fully establish its clinical significance, this variant meets criteria to be classified as likely pathogenic for autosomal recessive hearing loss. ACMG/AMP Criteria applied: PVS1, PM2_Supporting.